The following is an entry in ClinVar:

ClinVar aggregate classification (germline): Uncertain significance. Review status: criteria provided, multiple submitters, no conflicts (2 of 4 stars). 3 submissions from 3 submitters: Uncertain significance (3). Last evaluated 2025-12-20.

Conditions:
Mitochondrial complex IV deficiency, nuclear type 14. Also called: Mitochondrial complex 4 deficiency, nuclear type 14. Identifiers: MedGen C5436710, MONDO:0033649, OMIM 619058.

Allele frequency attached by ClinVar (database versions not stated): gnomAD 0.00016; gnomAD exomes 0.00020; ExAC 0.00021; ESP Exome Variant Server 0.00023.

Submissions (3):

Labcorp Genetics (formerly Invitae), Labcorp
Classification: Uncertain significance. Last evaluated: 2025-12-20. Review status: criteria provided, single submitter. Criteria: Invitae Variant Classification Sherloc (09022015). Collection method: clinical testing. Allele origin: germline.
Comment: This sequence change replaces valine, which is neutral and non-polar, with leucine, which is neutral and non-polar, at codon 68 of the COA3 protein (p.Val68Leu). This variant is present in population databases (rs200420190, gnomAD 0.04%). This variant has not been reported in the literature in individuals affected with COA3-related conditions. ClinVar contains an entry for this variant (Variation ID: 1497774). An algorithm developed to predict the effect of missense changes on protein structure and function (PolyPhen-2) suggests that this variant is likely to be disruptive. In summary, the available evidence is currently insufficient to determine the role of this variant in disease. Therefore, it has been classified as a Variant of Uncertain Significance.

ARUP Laboratories, Molecular Genetics and Genomics, ARUP Laboratories
Classification: Uncertain significance for Mitochondrial complex IV deficiency, nuclear type 14. Last evaluated: 2023-06-28. Review status: criteria provided, single submitter. Criteria: ARUP Molecular Germline Variant Investigation Process 2024. Collection method: clinical testing. Allele origin: germline.

Ambry Genetics
Classification: Uncertain significance. Last evaluated: 2021-08-09. Review status: criteria provided, single submitter. Criteria: Ambry Variant Classification Scheme 2023. Collection method: clinical testing. Allele origin: germline.

NM_001040431.3(COA3):c.202G>T (p.Val68Leu)

Gene: COA3 (cytochrome c oxidase assembly factor 3; minus strand). Cytogenetic location: 17q21.2.
Variant type: single nucleotide variant.
Coding change: c.202G>T on transcript NM_001040431.3 (MANE Select); coding-DNA position 202, G replaced by T.
Protein change: p.Val68Leu; replaces valine 68 with leucine.
Molecular consequence: missense variant.
Genome position (GRCh38, 1-based): chr17:42,798,480, C>A on the plus strand (G>T on the coding strand, the complement: COA3 is on the minus strand). VCF-style: chr17-42798480-C-A. GRCh37 (hg19) VCF-style: chr17-40950498-C-A.
Other names: c.202G>T (NM_001040431.1); short protein forms V68L.
Identifiers: ClinVar variation 1497774 (VCV001497774.8), dbSNP rs200420190, ClinGen allele CA8584774.